The following is an entry in ClinVar:

ClinVar aggregate classification (germline): Uncertain significance (1 of 4 stars; one submission).

Allele frequency attached by ClinVar (database versions not stated): gnomAD exomes below 0.00001; TOPMed below 0.00001.
gnomAD v4.1: 1 of 1,613,360 alleles (0.000062%); highest among the groups gnomAD compares: Non-Finnish European, 0.000085%; no homozygotes.

Submission:

Labcorp Genetics (formerly Invitae), Labcorp
Classification: Uncertain significance. Last evaluated: 2022-03-18. Review status: criteria provided, single submitter. Criteria: Invitae Variant Classification Sherloc (09022015). Collection method: clinical testing. Allele origin: germline.
Comment: This sequence change replaces tyrosine, which is neutral and polar, with cysteine, which is neutral and slightly polar, at codon 184 of the ELOVL5 protein (p.Tyr184Cys). This variant is not present in population databases (gnomAD no frequency). This variant has not been reported in the literature in individuals affected with ELOVL5-related conditions. Algorithms developed to predict the effect of missense changes on protein structure and function are either unavailable or do not agree on the potential impact of this missense change (SIFT: "Deleterious"; PolyPhen-2: "Probably Damaging"; Align-GVGD: "Class C0"). In summary, the available evidence is currently insufficient to determine the role of this variant in disease. Therefore, it has been classified as a Variant of Uncertain Significance.

NM_021814.5(ELOVL5):c.551A>G (p.Tyr184Cys)

Gene: ELOVL5 (ELOVL fatty acid elongase 5; minus strand). Cytogenetic location: 6p12.1.
Variant type: single nucleotide variant.
Coding change: c.551A>G on transcript NM_021814.5 (MANE Select); coding-DNA position 551, A replaced by G.
Protein change: p.Tyr184Cys; replaces tyrosine 184 with cysteine.
Molecular consequence: missense variant. On other transcripts: intron variant (1).
Genome position (GRCh38, 1-based): chr6:53,273,290, T>C on the plus strand (A>G on the coding strand, the complement: ELOVL5 is on the minus strand). VCF-style: chr6-53273290-T-C. GRCh37 (hg19) VCF-style: chr6-53138088-T-C.
Other names: c.632A>G, p.Tyr211Cys (NM_001242828.2); c.551A>G, p.Tyr184Cys (NM_001301856.2); c.496+1800A>G (NM_001242830.2); short protein forms Y184C, Y211C.
Identifiers: ClinVar variation 2054046 (VCV002054046.4), dbSNP rs1554134436, ClinGen allele CA364476583.
Genomic context (GRCh38, chr6:53,273,290, plus strand): 5'-TGAGTGATGTACTTCTTCCACCAGAGGTATGGACGCATGGAAGGGACTGACGACAAACCA[T>C]AGTAAGAGTACATGAGGACGTGGATGAAGCTATTAAGTGTGGCACCAAAATAAGCTGCAG-3'
Protein context (NP_068586.1, residues 174-194): SFIHVLMYSY[Tyr184Cys]GLSSVPSMRP